The following is an entry in ClinVar:

ClinVar aggregate classification (germline): Uncertain significance. Review status: criteria provided, multiple submitters, no conflicts (2 of 4 stars). 2 submissions from 2 submitters: Uncertain significance (2). Last evaluated 2026-07-06.

Conditions:
Hereditary cancer-predisposing syndrome. Also called: Hereditary Cancer Syndrome; Neoplastic Syndromes, Hereditary; Hereditary neoplastic syndrome; Tumor predisposition. Identifiers: Orphanet 140162, MedGen C0027672, MeSH D009386, MONDO:0015356.
Gorlin syndrome. Also called: Nevoid Basal Cell Carcinoma Syndrome; Basal cell nevus syndrome. Identifiers: Orphanet 377, MedGen C0004779, MONDO:0007187.

Allele frequency attached by ClinVar (database versions not stated): gnomAD exomes below 0.00001.
gnomAD v4.1: 1 of 1,614,228 alleles (0.000062%); highest among the groups gnomAD compares: Non-Finnish European, 0.000085%; no homozygotes.

Submissions (2):

Ambry Genetics
Classification: Uncertain significance for Hereditary cancer-predisposing syndrome. Last evaluated: 2026-07-06. Review status: criteria provided, single submitter. Criteria: Ambry Variant Classification Scheme 2023. Collection method: clinical testing. Allele origin: germline.
Comment: The p.N771K variant (also known as c.2313C>A), located in coding exon 15 of the PTCH1 gene, results from a C to A substitution at nucleotide position 2313. The asparagine at codon 771 is replaced by lysine, an amino acid with similar properties. This amino acid position is conserved. In addition, this alteration is predicted to be tolerated by in silico analysis. Based on the available evidence, the clinical significance of this variant remains unclear.

Labcorp Genetics (formerly Invitae), Labcorp
Classification: Uncertain significance for Gorlin syndrome. Last evaluated: 2022-11-17. Review status: criteria provided, single submitter. Criteria: Invitae Variant Classification Sherloc (09022015). Collection method: clinical testing. Allele origin: germline.
Comment: This variant is not present in population databases (gnomAD no frequency). This sequence change replaces asparagine, which is neutral and polar, with lysine, which is basic and polar, at codon 837 of the PTCH1 protein (p.Asn837Lys). This variant has not been reported in the literature in individuals affected with PTCH1-related conditions. In summary, the available evidence is currently insufficient to determine the role of this variant in disease. Therefore, it has been classified as a Variant of Uncertain Significance. Advanced modeling of protein sequence and biophysical properties (such as structural, functional, and spatial information, amino acid conservation, physicochemical variation, residue mobility, and thermodynamic stability) performed at Invitae indicates that this missense variant is not expected to disrupt PTCH1 protein function. ClinVar contains an entry for this variant (Variation ID: 1421531).

NM_000264.5(PTCH1):c.2511C>A (p.Asn837Lys)

Genes: PTCH1 (patched 1; minus strand), LOC100507346 (uncharacterized LOC100507346; plus strand). Cytogenetic location: 9q22.32.
Variant type: single nucleotide variant.
Coding change: c.2511C>A on transcript NM_000264.5 (MANE Select); coding-DNA position 2511, C replaced by A.
Protein change: p.Asn837Lys; replaces asparagine 837 with lysine.
Molecular consequence: missense variant. On other transcripts: non-coding transcript variant (2).
Genome position (GRCh38, 1-based): chr9:95,467,165, G>T on the plus strand (C>A on the coding strand, the complement: PTCH1 is on the minus strand). VCF-style: chr9-95467165-G-T. GRCh37 (hg19) VCF-style: chr9-98229447-G-T.
Other names: c.2313C>A, p.Asn771Lys (NM_001083602.3); c.2508C>A, p.Asn836Lys (NM_001083603.3); c.2058C>A, p.Asn686Lys (NM_001083604.3, NM_001083605.3, NM_001083606.3 and 1 more transcripts); c.2355C>A, p.Asn785Lys (NM_001354918.2); c.2313C>A (NM_001083602.1); short protein forms N771K, N836K, N686K, N785K, N837K.
Identifiers: ClinVar variation 1421531 (VCV001421531.9), dbSNP rs1588568559, ClinGen allele CA374113866.